The following is an entry in ClinVar:

ClinVar aggregate classification (germline): Uncertain significance (1 of 4 stars; one submission).

Submission:

Labcorp Genetics (formerly Invitae), Labcorp
Classification: Uncertain significance. Last evaluated: 2025-11-10. Review status: criteria provided, single submitter. Criteria: Invitae Variant Classification Sherloc (09022015). Collection method: clinical testing. Allele origin: germline.
Comment: This sequence change replaces tryptophan, which is neutral and slightly polar, with cysteine, which is neutral and slightly polar, at codon 1178 of the GRIN2D protein (p.Trp1178Cys). This variant is not present in population databases (gnomAD no frequency). This variant has not been reported in the literature in individuals affected with GRIN2D-related conditions. ClinVar contains an entry for this variant (Variation ID: 1715967). Invitae Evidence Modeling of protein sequence and biophysical properties (such as structural, functional, and spatial information, amino acid conservation, physicochemical variation, residue mobility, and thermodynamic stability) indicates that this missense variant is not expected to disrupt GRIN2D protein function with a negative predictive value of 95%. In summary, the available evidence is currently insufficient to determine the role of this variant in disease. Therefore, it has been classified as a Variant of Uncertain Significance.

NM_000836.4(GRIN2D):c.3534G>C (p.Trp1178Cys)

Gene: GRIN2D (glutamate ionotropic receptor NMDA type subunit 2D; plus strand). Cytogenetic location: 19q13.33.
Variant type: single nucleotide variant.
Coding change: c.3534G>C on transcript NM_000836.4 (MANE Select); coding-DNA position 3534, G replaced by C.
Protein change: p.Trp1178Cys; replaces tryptophan 1178 with cysteine.
Molecular consequence: missense variant.
Genome position (GRCh38, 1-based): chr19:48,443,460, G>C. VCF-style: chr19-48443460-G-C. GRCh37 (hg19) VCF-style: chr19-48946717-G-C.
Other names: short protein forms W1178C.
Identifiers: ClinVar variation 1715967 (VCV001715967.5), dbSNP rs2513693463, ClinGen allele CA406676716.